The following is an entry in ClinVar:

ClinVar aggregate classification (germline): Uncertain significance. Review status: criteria provided, multiple submitters, no conflicts (2 of 4 stars). 2 submissions from 2 submitters: Uncertain significance (2). Last evaluated 2024-12-31.

Conditions:
Inborn genetic diseases. Identifiers: MedGen C0950123, MeSH D030342.

Allele frequency attached by ClinVar (database versions not stated): gnomAD exomes 0.00005; gnomAD 0.00006; ExAC 0.00007; TOPMed 0.00007; ESP Exome Variant Server 0.00008; 1000 Genomes Project 30x 0.00016; 1000 Genomes Project 0.00020.
gnomAD v4.1: 84 of 1,613,762 alleles (0.0052%); highest among the groups gnomAD compares: South Asian, 0.022%; 1 homozygote.

Submissions (2):

GeneDx
Classification: Uncertain significance. Last evaluated: 2024-12-31. Review status: criteria provided, single submitter. Criteria: GeneDx Variant Classification Process June 2021. Collection method: clinical testing. Allele origin: germline. Affected: yes.
Comment: In silico analysis supports that this missense variant has a deleterious effect on protein structure/function; Has not been previously published as pathogenic or benign to our knowledge

Ambry Genetics
Classification: Uncertain significance for Inborn genetic diseases. Last evaluated: 2023-03-06. Review status: criteria provided, single submitter. Criteria: Ambry Variant Classification Scheme 2023. Collection method: clinical testing. Allele origin: germline.

NM_002906.4(RDX):c.830A>G (p.Asn277Ser)

Gene: RDX (radixin; minus strand). Cytogenetic location: 11q22.3.
Variant type: single nucleotide variant.
Coding change: c.830A>G on transcript NM_002906.4 (MANE Select); coding-DNA position 830, A replaced by G.
Protein change: p.Asn277Ser; replaces asparagine 277 with serine.
Molecular consequence: missense variant. On other transcripts: intron variant (2).
Genome position (GRCh38, 1-based): chr11:110,254,075, T>C on the plus strand (A>G on the coding strand, the complement: RDX is on the minus strand). VCF-style: chr11-110254075-T-C. GRCh37 (hg19) VCF-style: chr11-110124800-T-C.
Other names: c.830A>G, p.Asn277Ser (NM_001260492.2, NM_001260493.2); c.422A>G, p.Asn141Ser (NM_001260494.2); c.-82-6242A>G (NM_001260495.2); c.404+4082A>G (NM_001260496.2); short protein forms N141S, N277S.
Identifiers: ClinVar variation 2494198 (VCV002494198.3), dbSNP rs367959168, ClinGen allele CA6270196.